The following is an entry in ClinVar:

ClinVar aggregate classification (germline): Uncertain significance (1 of 4 stars; one submission).

Conditions:
Holoprosencephaly 9 (HPE9). Also called: PITUITARY ANOMALIES WITH HOLOPROSENCEPHALY-LIKE FEATURES; HOLOPROSENCEPHALY WITH MICROPHTHALMIA AND FIRST BRANCHIAL ARCH ANOMALIES. Identifiers: Orphanet 2162, MedGen C1835819, MONDO:0012563, OMIM 610829.
Postaxial polydactyly-anterior pituitary anomalies-facial dysmorphism syndrome. Also called: Culler-Jones syndrome. Identifiers: Orphanet 420584, MedGen C4014479, MONDO:0014369, OMIM 615849.

gnomAD v4.1: 7 of 1,613,926 alleles (0.00043%); highest among the groups gnomAD compares: Non-Finnish European, 0.00051%; no homozygotes.

Submission:

Labcorp Genetics (formerly Invitae), Labcorp
Classification: Uncertain significance for Postaxial polydactyly-anterior pituitary anomalies-facial dysmorphism syndrome; Holoprosencephaly 9. Last evaluated: 2023-10-23. Review status: criteria provided, single submitter. Criteria: Invitae Variant Classification Sherloc (09022015). Collection method: clinical testing. Allele origin: germline.
Comment: This sequence change replaces glycine, which is neutral and non-polar, with arginine, which is basic and polar, at codon 1527 of the GLI2 protein (p.Gly1527Arg). This variant is not present in population databases (gnomAD no frequency). This variant has not been reported in the literature in individuals affected with GLI2-related conditions. Advanced modeling of protein sequence and biophysical properties (such as structural, functional, and spatial information, amino acid conservation, physicochemical variation, residue mobility, and thermodynamic stability) performed at Invitae indicates that this missense variant is expected to disrupt GLI2 protein function with a positive predictive value of 80%. In summary, the available evidence is currently insufficient to determine the role of this variant in disease. Therefore, it has been classified as a Variant of Uncertain Significance.

NM_001374353.1(GLI2):c.4528G>C (p.Gly1510Arg)

Gene: GLI2 (GLI family zinc finger 2; plus strand). Cytogenetic location: 2q14.2.
Variant type: single nucleotide variant.
Coding change: c.4528G>C on transcript NM_001374353.1 (MANE Select); coding-DNA position 4528, G replaced by C.
Protein change: p.Gly1510Arg; replaces glycine 1510 with arginine.
Molecular consequence: missense variant.
Genome position (GRCh38, 1-based): chr2:120,990,493, G>C. VCF-style: chr2-120990493-G-C. GRCh37 (hg19) VCF-style: chr2-121748069-G-C.
Other names: c.4579G>C, p.Gly1527Arg (NM_001371271.1, NM_005270.5); c.4153G>C, p.Gly1385Arg (NM_001374354.1); short protein forms G1510R, G1385R, G1527R.
Identifiers: ClinVar variation 2953244 (VCV002953244.3), dbSNP rs1259103009, ClinGen allele CA348180035.